The following is an entry in ClinVar:

ClinVar aggregate classification (germline): Likely benign. Review status: criteria provided, multiple submitters, no conflicts (2 of 4 stars). 3 submissions from 3 submitters: Likely benign (3). Last evaluated 2025-06-09.

Conditions:
Fanconi anemia (FA). Also called: Fanconi's anemia. Identifiers: Orphanet 84, MedGen C0015625, MeSH D005199, MONDO:0019391.
Inborn genetic diseases. Identifiers: MedGen C0950123, MeSH D030342.

Allele frequency attached by ClinVar (database versions not stated): gnomAD exomes below 0.00001.
gnomAD v4.1: 6 of 1,563,002 alleles (0.00038%); highest among the groups gnomAD compares: Non-Finnish European, 0.00052%; no homozygotes.

Submissions (3):

Ambry Genetics
Classification: Likely benign for Inborn genetic diseases. Last evaluated: 2025-06-09. Review status: criteria provided, single submitter. Criteria: Ambry Variant Classification Scheme 2023. Collection method: clinical testing. Allele origin: germline.

CeGaT Center for Human Genetics Tuebingen
Classification: Likely benign. Last evaluated: 2024-09-01. Review status: criteria provided, single submitter. Criteria: CeGaT Center For Human Genetics Tuebingen Variant Classification Criteria Version 2. Collection method: clinical testing. Allele origin: germline. Affected: yes. Observed: 2 variant alleles.
Comment: FANCA: BP4, BP7

Labcorp Genetics (formerly Invitae), Labcorp
Classification: Likely benign for Fanconi anemia. Last evaluated: 2023-09-17. Review status: criteria provided, single submitter. Criteria: Invitae Variant Classification Sherloc (09022015). Collection method: clinical testing. Allele origin: germline.

NM_000135.4(FANCA):c.3384G>A (p.Gln1128=)

Genes: FANCA (FA complementation group A; minus strand), LOC132090450 (Neanderthal introgressed variant-containing enhancer experimental_46718; plus strand). Cytogenetic location: 16q24.3.
Variant type: single nucleotide variant.
Coding change: c.3384G>A on transcript NM_000135.4 (MANE Select); coding-DNA position 3384, G replaced by A.
Protein change: p.Gln1128=; no amino-acid change (glutamine 1128 retained).
Molecular consequence: synonymous variant.
Genome position (GRCh38, 1-based): chr16:89,746,855, C>T on the plus strand (G>A on the coding strand, the complement: FANCA is on the minus strand). VCF-style: chr16-89746855-C-T. GRCh37 (hg19) VCF-style: chr16-89813263-C-T.
Other names: c.3384G>A (NM_000135.2); c.3384G>A, p.Gln1128= (NM_001286167.3).
Identifiers: ClinVar variation 1532928 (VCV001532928.31), dbSNP rs867468844, ClinGen allele CA497195598.